The following is an entry in ClinVar:

NM_001348768.2(HECW2):c.1889C>A (p.Thr630Asn)

Gene: HECW2 (HECT, C2 and WW domain containing E3 ubiquitin protein ligase 2; minus strand). Cytogenetic location: 2q32.3.
Variant type: single nucleotide variant.
Coding change: c.1889C>A on transcript NM_001348768.2 (MANE Select); coding-DNA position 1889, C replaced by A.
Protein change: p.Thr630Asn; replaces threonine 630 with asparagine.
Molecular consequence: missense variant.
Genome position (GRCh38, 1-based): chr2:196,319,001, G>T on the plus strand (C>A on the coding strand, the complement: HECW2 is on the minus strand). VCF-style: chr2-196319001-G-T. GRCh37 (hg19) VCF-style: chr2-197183725-G-T.
Other names: c.821C>A, p.Thr274Asn (NM_001304840.3); c.1889C>A, p.Thr630Asn (NM_020760.4); short protein forms T274N, T630N.
Identifiers: ClinVar variation 1307225 (VCV001307225.3), dbSNP rs1248854804, ClinGen allele CA349965071.

ClinVar aggregate classification (germline): Uncertain significance (1 of 4 stars; one submission).

Submission:

GeneDx
Classification: Uncertain significance. Last evaluated: 2025-01-03. Review status: criteria provided, single submitter. Criteria: GeneDx Variant Classification Process June 2021. Collection method: clinical testing. Allele origin: germline. Affected: yes.
Comment: Not observed at significant frequency in large population cohorts (gnomAD); In silico analysis indicates that this missense variant does not alter protein structure/function; Has not been previously published as pathogenic or benign to our knowledge